The following is an entry in ClinVar:

NM_016507.4(CDK12):c.2143A>G (p.Thr715Ala)

Gene: CDK12 (cyclin dependent kinase 12; plus strand). Cytogenetic location: 17q12.
Variant type: single nucleotide variant.
Coding change: c.2143A>G on transcript NM_016507.4 (MANE Select); coding-DNA position 2143, A replaced by G.
Protein change: p.Thr715Ala; replaces threonine 715 with alanine.
Molecular consequence: missense variant.
Genome position (GRCh38, 1-based): chr17:39,492,785, A>G. VCF-style: chr17-39492785-A-G. GRCh37 (hg19) VCF-style: chr17-37649038-A-G.
Other names: c.2143A>G, p.Thr715Ala (NM_015083.4); short protein forms T715A.
Identifiers: ClinVar variation 3830535 (VCV003830535.1).

ClinVar aggregate classification (germline): Uncertain significance (1 of 4 stars; one submission).

gnomAD v4.1: 2 of 1,611,208 alleles (0.00012%); highest among the groups gnomAD compares: Non-Finnish European, 0.00017%; no homozygotes.

Submission:

Ambry Genetics
Classification: Uncertain significance. Last evaluated: 2025-01-19. Review status: criteria provided, single submitter. Criteria: Ambry Variant Classification Scheme 2023. Collection method: clinical testing. Allele origin: germline.
Comment: The p.T715A variant (also known as c.2143A>G), located in coding exon 4 of the CDK12 gene, results from an A to G substitution at nucleotide position 2143. The threonine at codon 715 is replaced by alanine, an amino acid with similar properties. This amino acid position is conserved. In addition, the in silico prediction for this alteration is inconclusive. Based on the available evidence, the clinical significance of this variant remains unclear.